The following is an entry in ClinVar:

NM_001374736.1(DST):c.22005_22006insAT (p.Pro7336fs)

Gene: DST (dystonin; minus strand). Cytogenetic location: 6p12.1.
Variant type: Insertion.
Coding change: c.22005_22006insAT on transcript NM_001374736.1 (MANE Select); coding-DNA positions 22005 to 22006, AT inserted.
Protein change: p.Pro7336fs; shifts the reading frame from proline 7336.
Molecular consequence: frameshift variant.
Genome position: GRCh38 VCF-style: chr6-56472211-G-GAT. GRCh37 (hg19) VCF-style: chr6-56337009-G-GAT.
Other names: c.15648_15649insAT, p.Pro5217fs (NM_001144769.5); c.15234_15235insAT, p.Pro5079fs (NM_001144770.2); c.22005_22006insAT, p.Pro7336fs (NM_001374722.1); c.21045_21046insAT, p.Pro7016fs (NM_001374729.1); c.14787_14788insAT, p.Pro4930fs (NM_001374730.1); c.22032_22033insAT, p.Pro7345fs (NM_001374734.1); c.14136_14137insAT, p.Pro4713fs (NM_015548.5); c.15114_15115insAT, p.Pro5039fs (NM_183380.4); short protein forms P4930fs, P5039fs, P7345fs, P4713fs, P7016fs, P5079fs, P5217fs, P7336fs.
Identifiers: ClinVar variation 970428 (VCV000970428.8), dbSNP rs2094929531, ClinGen allele CA1139659629.

ClinVar aggregate classification (germline): Pathogenic (1 of 4 stars; one submission).

Conditions:
Epidermolysis bullosa simplex 3, localized or generalized intermediate, with BP230 deficiency (EBS3). Also called: Epidermolysis bullosa simplex, autosomal recessive 2; Epidermolysis bullosa simplex due to BP230 deficiency. Identifiers: Orphanet 412181, MedGen C3809470, MONDO:0014180, OMIM 615425.
Hereditary sensory and autonomic neuropathy type 6. Also called: Neuropathy, hereditary sensory and autonomic, type VI; HSAN VI. Identifiers: Orphanet 314381, MedGen C3539003, MONDO:0013839, OMIM 614653.

Submission:

Labcorp Genetics (formerly Invitae), Labcorp
Classification: Pathogenic for Epidermolysis bullosa simplex 3, localized or generalized intermediate, with BP230 deficiency; Hereditary sensory and autonomic neuropathy type 6. Last evaluated: 2019-07-11. Review status: criteria provided, single submitter. Criteria: Invitae Variant Classification Sherloc (09022015). Collection method: clinical testing. Allele origin: germline.
Comment: For these reasons, this variant has been classified as Pathogenic. Loss-of-function variants in DST are known to be pathogenic (PMID: 25059916). This variant has not been reported in the literature in individuals with DST-related conditions. This variant is not present in population databases (ExAC no frequency). This sequence change creates a premature translational stop signal (p.Pro4713Ilefs*22) in the DST gene. It is expected to result in an absent or disrupted protein product. The DST gene has multiple clinically relevant transcripts. The p.Pro4713Ilefs*22 variant occurs in alternate transcript NM_015548.4, which corresponds to c.*143305_*143306insAT in NM_001723.5, the primary transcript listed in the Methods.

Literature cited by the submitters: PubMed 25059916.